The following is an entry in ClinVar:

NM_177924.5(ASAH1):c.502G>T (p.Gly168Trp)

Gene: ASAH1 (N-acylsphingosine amidohydrolase 1; minus strand). Cytogenetic location: 8p22.
Variant type: single nucleotide variant.
Coding change: c.502G>T on transcript NM_177924.5 (MANE Select); coding-DNA position 502, G replaced by T.
Protein change: p.Gly168Trp; replaces glycine 168 with tryptophan.
Molecular consequence: missense variant.
Genome position (GRCh38, 1-based): chr8:18,063,186, C>A on the plus strand (G>T on the coding strand, the complement: ASAH1 is on the minus strand). VCF-style: chr8-18063186-C-A. GRCh37 (hg19) VCF-style: chr8-17920695-C-A.
Other names: c.484G>T, p.Gly162Trp (NM_001127505.3); c.307G>T, p.Gly103Trp (NM_001363743.2); c.550G>T, p.Gly184Trp (NM_004315.6); short protein forms G162W, G184W, G103W, G168W.
Identifiers: ClinVar variation 812477 (VCV000812477.1), dbSNP rs1421841663, ClinGen allele CA370430988.

ClinVar aggregate classification (germline): Pathogenic (1 of 4 stars; one submission).

Conditions:
Farber lipogranulomatosis (FRBRL). Also called: AC DEFICIENCY; ACID CERAMIDASE DEFICIENCY; CERAMIDASE DEFICIENCY; N-LAURYLSPHINGOSINE DEACYLASE DEFICIENCY; Farber's lipogranulomatosis; Farber's disease. Identifiers: Orphanet 333, MedGen C0268255, MONDO:0009218, OMIM 228000.

Submission:

Medical Affairs, Dicerna Pharmaceuticals
Classification: Pathogenic for Farber lipogranulomatosis. Last evaluated: 2019-06-19. Review status: criteria provided, single submitter. Criteria: ACMG Guidelines, 2015. Collection method: literature only. Allele origin: inherited. Inheritance: Autosomal recessive inheritance. Affected: yes. Observed: 1 variant allele.
Comment: Variant c.502G>T has been classified as pathogenic. The patient described in Cvitanovic-Sojat et al., 2011, doi:10.1016/j.ejpn.2010.06.002, was diagnosed with Type 1 Farber disease symptoms described in Gene Reviews. Microscopic examination of subcutaneous and periarticular tissues showed the accumulation of macrophages, histiocytes, foam cells and PAS-positive material which is indicative of Farber disease. Homozygous c.502G>T variants were discovered through whole genome sequencing and confirmed at the cDNA level. A ceramide loading test was carried out using intact cultured skin fibroblasts. In the patient's cells, undegraded lysosomal ceramide represented 56% of radioactive sphingomyelin metabolites, compared to 2-7.5% in control cells. Acid ceramidase deficiency was confirmed using an in vitro assay measuring enzyme activity in fibroblast lysates. The patient's ceramidase activity was found to be undetectable [normal range 0.011-0.084 nmol/h/mg protein (n=9); mean 0.047]. Other lysosomal enzymes were within the normal range.

Literature cited by the submitters: DOI 10.1016/j.ejpn.2010.06.002; DOI 10.1006/mgme.2000.3029; DOI 10.1016/0022-510X(95)00231-0.